The following is an entry in ClinVar:

ClinVar aggregate classification (germline): Uncertain significance (1 of 4 stars; one submission).

Conditions:
Congenital disorder of glycosylation, type Ii. Also called: ALG2-congenital disorder of glycosylation; CDG Ii; ALG2-CDG. Identifiers: Orphanet 79326, MedGen C1842836, MONDO:0011933, OMIM 607906.
Congenital myasthenic syndrome 14. Also called: Myasthenic syndrome, congenital, 14, with tubular aggregates. Identifiers: Orphanet 353327, Orphanet 590, MedGen C4015597, MONDO:0014543, OMIM 616228.

Allele frequency attached by ClinVar (database versions not stated): ExAC 0.00001; TOPMed 0.00003; gnomAD 0.00005.
gnomAD v4.1: 7 of 1,614,106 alleles (0.00043%); highest among the groups gnomAD compares: African/African-American, 0.0093%; no homozygotes.

Submission:

Labcorp Genetics (formerly Invitae), Labcorp
Classification: Uncertain significance for Congenital disorder of glycosylation, type Ii; Congenital myasthenic syndrome 14. Last evaluated: 2022-03-13. Review status: criteria provided, single submitter. Criteria: Invitae Variant Classification Sherloc (09022015). Collection method: clinical testing. Allele origin: germline.
Comment: Algorithms developed to predict the effect of missense changes on protein structure and function are either unavailable or do not agree on the potential impact of this missense change (SIFT: "Tolerated"; PolyPhen-2: "Possibly Damaging"; Align-GVGD: "Class C0"). This sequence change replaces valine, which is neutral and non-polar, with leucine, which is neutral and non-polar, at codon 394 of the ALG2 protein (p.Val394Leu). This variant is present in population databases (rs756310521, gnomAD 0.01%). This variant has not been reported in the literature in individuals affected with ALG2-related conditions. In summary, the available evidence is currently insufficient to determine the role of this variant in disease. Therefore, it has been classified as a Variant of Uncertain Significance.

NM_033087.4(ALG2):c.1180G>C (p.Val394Leu)

Gene: ALG2 (ALG2 alpha-1,3/1,6-mannosyltransferase; minus strand). Cytogenetic location: 9q22.33.
Variant type: single nucleotide variant.
Coding change: c.1180G>C on transcript NM_033087.4 (MANE Select); coding-DNA position 1180, G replaced by C.
Protein change: p.Val394Leu; replaces valine 394 with leucine.
Molecular consequence: missense variant. On other transcripts: non-coding transcript variant (1).
Genome position (GRCh38, 1-based): chr9:99,218,005, C>G on the plus strand (G>C on the coding strand, the complement: ALG2 is on the minus strand). VCF-style: chr9-99218005-C-G. GRCh37 (hg19) VCF-style: chr9-101980287-C-G.
Other names: short protein forms V394L.
Identifiers: ClinVar variation 2145004 (VCV002145004.4), dbSNP rs756310521, ClinGen allele CA5156195.